The following is an entry in ClinVar:

ClinVar aggregate classification (germline): Uncertain significance (1 of 4 stars; one submission).

Conditions:
Marfan syndrome (MFS). Also called: FBN1-Related Marfan Syndrome; MARFAN SYNDROME, TYPE I; Marfan syndrome type 1; Marfan's syndrome; Marfan syndrome, classic. Identifiers: Orphanet 284963, Orphanet 558, MedGen C0024796, MONDO:0007947, OMIM 154700.
Familial thoracic aortic aneurysm and aortic dissection (TAAD). Also called: Thoracic aortic aneurysms and dissections. Identifiers: Orphanet 91387, MedGen C4707243, MONDO:0019625.

Submission:

Labcorp Genetics (formerly Invitae), Labcorp
Classification: Uncertain significance for Marfan syndrome; Familial thoracic aortic aneurysm and aortic dissection. Last evaluated: 2025-04-23. Review status: criteria provided, single submitter. Criteria: Invitae Variant Classification Sherloc (09022015). Collection method: clinical testing. Allele origin: germline.
Comment: This sequence change replaces asparagine, which is neutral and polar, with threonine, which is neutral and polar, at codon 1422 of the FBN1 protein (p.Asn1422Thr). This variant is not present in population databases (gnomAD no frequency). This missense change has been observed in individual(s) with clinical features of Marfan syndrome (internal data). Invitae Evidence Modeling of protein sequence and biophysical properties (such as structural, functional, and spatial information, amino acid conservation, physicochemical variation, residue mobility, and thermodynamic stability) indicates that this missense variant is expected to disrupt FBN1 protein function with a positive predictive value of 95%. This variant disrupts the p.Asn1422 amino acid residue in FBN1. Other variant(s) that disrupt this residue have been observed in individuals with FBN1-related conditions (PMID: 28973303), which suggests that this may be a clinically significant amino acid residue. In summary, the available evidence is currently insufficient to determine the role of this variant in disease. Therefore, it has been classified as a Variant of Uncertain Significance.

Literature cited by the submitters: PubMed 28973303.

NM_000138.5(FBN1):c.4265A>C (p.Asn1422Thr)

Genes: FBN1 (fibrillin 1; minus strand), LOC126862124 (CDK7 strongly-dependent group 2 enhancer GRCh37_chr15:48764566-48765765; plus strand). Cytogenetic location: 15q21.1.
Variant type: single nucleotide variant.
Coding change: c.4265A>C on transcript NM_000138.5 (MANE Select); coding-DNA position 4265, A replaced by C.
Protein change: p.Asn1422Thr; replaces asparagine 1422 with threonine.
Molecular consequence: missense variant.
Genome position (GRCh38, 1-based): chr15:48,472,622, T>G on the plus strand (A>C on the coding strand, the complement: FBN1 is on the minus strand). VCF-style: chr15-48472622-T-G. GRCh37 (hg19) VCF-style: chr15-48764819-T-G.
Other names: c.4265A>C, p.Asn1422Thr (NM_001406716.1); short protein forms N1422T.
Identifiers: ClinVar variation 4783174 (VCV004783174.1).
Genomic context (GRCh38, chr15:48,472,622, plus strand): 5'-TTCCCGTCAGCACTGGGCACGAAGCCCATGTCGCATTCACAGCGGTATCCTCCTGGTGCA[T>G]TGAGGCACTGGCCATTGCCACAGAGATTCAGGTTCTCAGAGCACTCATCAAGGTCTACAG-3'
Protein context (NP_000129.3, residues 1412-1432): LNLCGNGQCL[Asn1422Thr]APGGYRCECD